The following is an entry in ClinVar:

NM_001378183.1(PIEZO2):c.4537C>G (p.Gln1513Glu)

Gene: PIEZO2 (piezo type mechanosensitive ion channel component 2; minus strand). Cytogenetic location: 18p11.22.
Variant type: single nucleotide variant.
Coding change: c.4537C>G on transcript NM_001378183.1 (MANE Select); coding-DNA position 4537, C replaced by G.
Protein change: p.Gln1513Glu; replaces glutamine 1513 with glutamic acid.
Molecular consequence: missense variant.
Genome position (GRCh38, 1-based): chr18:10,742,593, G>C on the plus strand (C>G on the coding strand, the complement: PIEZO2 is on the minus strand). VCF-style: chr18-10742593-G-C. GRCh37 (hg19) VCF-style: chr18-10742591-G-C.
Other names: c.4537C>G, p.Gln1513Glu (NM_001410871.1); c.4462C>G, p.Gln1488Glu (NM_022068.4); c.4462C>G (NM_022068.2); short protein forms Q1488E, Q1513E.
Identifiers: ClinVar variation 2434824 (VCV002434824.9), dbSNP rs115526553, ClinGen allele CA8892434.

ClinVar aggregate classification (germline): Conflicting classifications of pathogenicity. Review status: criteria provided, conflicting classifications (1 of 4 stars). 4 submissions from 4 submitters: Uncertain significance (2); Benign (1). 1 of the submissions does not count toward it. Last evaluated 2025-11-17.

Conditions:
PIEZO2-related disorder. Also called: PIEZO2-related condition; PIEZO2-related disorders.

Allele frequency attached by ClinVar (database versions not stated): ExAC 0.00023; 1000 Genomes Project 0.00060; 1000 Genomes Project 30x 0.00062; gnomAD 0.00067; TOPMed 0.00077; ESP Exome Variant Server 0.00088.
gnomAD v4.1: 214 of 1,537,060 alleles (0.014%); highest among the groups gnomAD compares: African/African-American, 0.27%; 1 homozygote.

Submissions (4):

Labcorp Genetics (formerly Invitae), Labcorp
Classification: Benign. Last evaluated: 2025-11-17. Review status: criteria provided, single submitter. Criteria: Invitae Variant Classification Sherloc (09022015). Collection method: clinical testing. Allele origin: germline.

GeneDx
Classification: Uncertain significance. Last evaluated: 2025-06-15. Review status: criteria provided, single submitter. Criteria: GeneDx Variant Classification Process June 2021. Collection method: clinical testing. Allele origin: germline. Affected: yes.
Comment: In silico analysis supports that this missense variant has a deleterious effect on protein structure/function; Has not been previously published as pathogenic or benign to our knowledge

Revvity Omics, Revvity
Classification: Uncertain significance. Last evaluated: 2019-10-17. Review status: criteria provided, single submitter. Criteria: ACMG Guidelines, 2015. Collection method: clinical testing. Allele origin: germline.

PreventionGenetics, part of Exact Sciences
Classification: Likely benign for PIEZO2-related condition. Last evaluated: 2022-07-28. Review status: no assertion criteria provided. Collection method: clinical testing. Allele origin: germline. Not counted in ClinVar's aggregate classification.
Comment: This variant is classified as likely benign based on ACMG/AMP sequence variant interpretation guidelines (Richards et al. 2015 PMID: 25741868, with internal and published modifications).